The following is an entry in ClinVar:

NM_002047.4(GARS1):c.1646T>C (p.Phe549Ser)

Gene: GARS1 (glycyl-tRNA synthetase 1; plus strand). Cytogenetic location: 7p14.3.
Variant type: single nucleotide variant.
Coding change: c.1646T>C on transcript NM_002047.4 (MANE Select); coding-DNA position 1646, T replaced by C.
Protein change: p.Phe549Ser; replaces phenylalanine 549 with serine.
Molecular consequence: missense variant.
Genome position (GRCh38, 1-based): chr7:30,626,266, T>C. VCF-style: chr7-30626266-T-C. GRCh37 (hg19) VCF-style: chr7-30665882-T-C.
Other names: c.1484T>C, p.Phe495Ser (NM_001316772.1); short protein forms F495S, F549S.
Identifiers: ClinVar variation 3020312 (VCV003020312.3), dbSNP rs2534327563, ClinGen allele CA367129357.
Genomic context (GRCh38, chr7:30,626,266, plus strand): 5'-ATACAAAATGTGTTTTGTTTCTTCGTAGGGAATTCACAATTGAAACTGAAGGGAAAACAT[T>C]TCAGTTAACAAAAGACATGATCAATGTGAAGAGATTCCAGAAAACACTATATGGTAAATT-3'
Protein context (NP_002038.2, residues 539-559): EFTIETEGKT[Phe549Ser]QLTKDMINVK

ClinVar aggregate classification (germline): Uncertain significance (1 of 4 stars; one submission).

Conditions:
Charcot-Marie-Tooth disease type 2. Also called: Charcot-Marie-Tooth type 2. Identifiers: Orphanet 64746, MedGen C0270914, MONDO:0018993.

Allele frequency attached by ClinVar (database versions not stated): gnomAD exomes below 0.00001.
gnomAD v4.1: 1 of 1,608,636 alleles (0.000062%); highest among the groups gnomAD compares: Non-Finnish European, 0.000085%; no homozygotes.

Submission:

Labcorp Genetics (formerly Invitae), Labcorp
Classification: Uncertain significance for Charcot-Marie-Tooth disease type 2. Last evaluated: 2023-05-11. Review status: criteria provided, single submitter. Criteria: Invitae Variant Classification Sherloc (09022015). Collection method: clinical testing. Allele origin: germline.
Comment: This variant is not present in population databases (gnomAD no frequency). This sequence change replaces phenylalanine, which is neutral and non-polar, with serine, which is neutral and polar, at codon 549 of the GARS protein (p.Phe549Ser). This variant has not been reported in the literature in individuals affected with GARS-related conditions. Advanced modeling of protein sequence and biophysical properties (such as structural, functional, and spatial information, amino acid conservation, physicochemical variation, residue mobility, and thermodynamic stability) has been performed at Invitae for this missense variant, however the output from this modeling did not meet the statistical confidence thresholds required to predict the impact of this variant on GARS protein function. In summary, the available evidence is currently insufficient to determine the role of this variant in disease. Therefore, it has been classified as a Variant of Uncertain Significance.